The following is an entry in ClinVar:

ClinVar aggregate classification (germline): Benign/Likely benign. Review status: criteria provided, multiple submitters, no conflicts (2 of 4 stars). 3 submissions from 3 submitters: Benign (1); Likely benign (1). 1 of the submissions does not count toward it. Last evaluated 2024-11-26.

Conditions:
FHOD3-related disorder. Also called: FHOD3-related condition.

Allele frequency attached by ClinVar (database versions not stated): ExAC 0.05220; gnomAD exomes 0.21966.

Submissions (3):

Blueprint Genetics
Classification: Likely benign. Last evaluated: 2024-11-26. Review status: criteria provided, single submitter. Criteria: ACMG Guidelines, 2015. Collection method: clinical testing. Allele origin: germline.

GeneDx
Classification: Benign. Last evaluated: 2021-05-06. Review status: criteria provided, single submitter. Criteria: GeneDx Variant Classification Process June 2021. Collection method: clinical testing. Allele origin: germline. Affected: yes.

PreventionGenetics, part of Exact Sciences
Classification: Likely benign for FHOD3-related condition. Last evaluated: 2023-04-26. Review status: no assertion criteria provided. Collection method: clinical testing. Allele origin: germline. Not counted in ClinVar's aggregate classification.
Comment: This variant is classified as likely benign based on ACMG/AMP sequence variant interpretation guidelines (Richards et al. 2015 PMID: 25741868, with internal and published modifications).

NM_001281740.3(FHOD3):c.3078A>C (p.Pro1026=)

Gene: FHOD3 (formin homology 2 domain containing 3; plus strand). Cytogenetic location: 18q12.2.
Variant type: single nucleotide variant.
Coding change: c.3078A>C on transcript NM_001281740.3 (MANE Select); coding-DNA position 3078, A replaced by C.
Protein change: p.Pro1026=; no amino-acid change (proline 1026 retained).
Molecular consequence: synonymous variant.
Genome position (GRCh38, 1-based): chr18:36,718,376, A>C. VCF-style: chr18-36718376-A-C. GRCh37 (hg19) VCF-style: chr18-34298339-A-C.
Other names: c.3078A>C (NM_001281740.2); c.2502A>C, p.Pro834= (NM_001281739.3); c.2553A>C, p.Pro851= (NM_025135.5).
Identifiers: ClinVar variation 1252670 (VCV001252670.5), dbSNP rs771717461, ClinGen allele CA8942013.